The following is an entry in ClinVar:

NM_000180.4(GUCY2D):c.369C>T (p.Gly123=)

Gene: GUCY2D (guanylate cyclase 2D, retinal; plus strand). Cytogenetic location: 17p13.1.
Variant type: single nucleotide variant.
Coding change: c.369C>T on transcript NM_000180.4 (MANE Select); coding-DNA position 369, C replaced by T.
Protein change: p.Gly123=; no amino-acid change (glycine 123 retained).
Molecular consequence: synonymous variant.
Genome position (GRCh38, 1-based): chr17:8,003,416, C>T. VCF-style: chr17-8003416-C-T. GRCh37 (hg19) VCF-style: chr17-7906734-C-T.
Other names: NM_000180.4(GUCY2D):c.369C>T; p.Gly123=.
Identifiers: ClinVar variation 195031 (VCV000195031.58), dbSNP rs529594203, ClinGen allele CA241302.

ClinVar aggregate classification (germline): Benign. Review status: reviewed by expert panel (3 of 4 stars). 7 submissions from 7 submitters: Benign (1). 6 of the submissions do not count toward it. Last evaluated 2025-01-30.

Conditions:
GUCY2D-related recessive retinopathy. Also called: Recessive GUCY2D retinopathy. Identifiers: MedGen CN305603, MONDO:0100453.
Cone-rod dystrophy 6 (CORD6). Also called: Cone dystrophy progressive; RETINAL CONE DYSTROPHY 2. Identifiers: Orphanet 1872, MedGen C1866293, MONDO:0011143, OMIM 601777.
Leber congenital amaurosis 1 (LCA1). Also called: Congenital absence of the rods and cones; Leber's congenital tapetoretinal degeneration; Leber's congenital tapetoretinal dysplasia; RETINAL BLINDNESS, CONGENITAL; AMAUROSIS CONGENITA OF LEBER I. Identifiers: Orphanet 65, MedGen C2931258, MONDO:0008764, OMIM 204000.

Allele frequency attached by ClinVar (database versions not stated): gnomAD exomes 0.00095 and 0.00159; TOPMed 0.00096; gnomAD 0.00114 and 0.00117; ExAC 0.00021; 1000 Genomes Project 30x 0.00031; 1000 Genomes Project 0.00040.
gnomAD v4.1: 2,286 of 1,502,724 alleles (0.15%); highest among the groups gnomAD compares: Non-Finnish European, 0.18%; 4 homozygotes.

Submissions (7):

ClinGen Leber Congenital Amaurosis/early Onset Retinal Dystrophy Variant Curation Expert Panel, ClinGen
Classification: Benign for GUCY2D-related recessive retinopathy. Last evaluated: 2025-01-30. Review status: reviewed by expert panel. Criteria: ClinGen LCAeoRD ACMG Specifications GUCY2D V1.0.0. Collection method: curation. Allele origin: germline. Inheritance: Autosomal recessive inheritance.
Comment: The NM_000180.4(GUCY2D):c.369C>T (p.Gly123=) variant is silent and occurs outside of the donor and acceptor splice regions. This variant is present in gnomAD v.4.1.0 at a GrpMax allele frequency of 0.001777, with 2088 alleles / 1133038 total alleles in the European (non-Finnish) population, which is higher than the ClinGen LCA/eoRD VCEP BS1 threshold of >0.0016 (BS1). This variant has been found in the homozygous state in 4 adult individuals in gnomAD which exceeds the LCA/eoRD VCEP threshold of ≥3 (gnomAD v4.1.0; BS2_Supporting). The splicing impact predictor SpliceAI gives a delta score of 0.01, which is below the ClinGen LCA/eoRD VCEP recommended threshold of <0.1 and does not predict an impact on splicing (BP4, BP7). In summary, this variant meets the criteria to be classified as Benign for GUCY2D-related recessive retinopathy based on the ACMG/AMP criteria applied, as specified by the ClinGen LCA/eoRD VCEP: BS1, BS2_Supporting, BP4, BP7.(VCEP specifications version 1.0.0; date of approval 01/22/2025).

Labcorp Genetics (formerly Invitae), Labcorp
Classification: Likely benign for Leber congenital amaurosis 1; Cone-rod dystrophy 6. Last evaluated: 2026-01-27. Review status: criteria provided, single submitter. Criteria: Invitae Variant Classification Sherloc (09022015). Collection method: clinical testing. Allele origin: germline. Not counted in ClinVar's aggregate classification.

CeGaT Center for Human Genetics Tuebingen
Classification: Likely benign. Last evaluated: 2025-07-01. Review status: criteria provided, single submitter. Criteria: CeGaT Center For Human Genetics Tuebingen Variant Classification Criteria Version 2. Collection method: clinical testing. Allele origin: germline. Affected: yes. Observed: 3 variant alleles. Not counted in ClinVar's aggregate classification.
Comment: GUCY2D: BP4, BP7

Blueprint Genetics
Classification: Likely benign. Last evaluated: 2024-11-25. Review status: criteria provided, single submitter. Criteria: ACMG Guidelines, 2015. Collection method: clinical testing. Allele origin: germline. Not counted in ClinVar's aggregate classification.

Eurofins Ntd Llc (ga)
Classification: Uncertain significance. Last evaluated: 2014-10-03. Review status: criteria provided, single submitter. Criteria: EGL Classification Definitions 2015. Collection method: clinical testing. Allele origin: germline. Not counted in ClinVar's aggregate classification.

Clinical Genetics DNA and cytogenetics Diagnostics Lab, Erasmus MC, Erasmus Medical Center
Classification: Likely benign. Review status: no assertion criteria provided. Collection method: clinical testing. Allele origin: germline. Affected: yes. Study: VKGL Data-share Consensus. Not counted in ClinVar's aggregate classification.

Clinical Genetics, Academic Medical Center
Classification: Benign. Review status: no assertion criteria provided. Collection method: clinical testing. Allele origin: germline. Affected: yes. Study: VKGL Data-share Consensus. Not counted in ClinVar's aggregate classification.